The following is an entry in ClinVar:

NM_207361.6(FREM2):c.5279C>T (p.Thr1760Met)

Gene: FREM2 (FRAS1 related extracellular matrix 2; plus strand). Cytogenetic location: 13q13.3.
Variant type: single nucleotide variant.
Coding change: c.5279C>T on transcript NM_207361.6 (MANE Select); coding-DNA position 5279, C replaced by T.
Protein change: p.Thr1760Met; replaces threonine 1760 with methionine.
Molecular consequence: missense variant.
Genome position (GRCh38, 1-based): chr13:38,764,319, C>T. VCF-style: chr13-38764319-C-T. GRCh37 (hg19) VCF-style: chr13-39338456-C-T.
Other names: short protein forms T1760M.
Identifiers: ClinVar variation 706499 (VCV000706499.13), dbSNP rs114171443, ClinGen allele CA6955205.

ClinVar aggregate classification (germline): Likely benign. Review status: criteria provided, multiple submitters, no conflicts (2 of 4 stars). 3 submissions from 3 submitters: Likely benign (2). 1 of the submissions does not count toward it. Last evaluated 2026-01-21.

Conditions:
FREM2-related disorder. Also called: FREM2-related condition.
Fraser syndrome 2 (FRASRS2). Identifiers: MedGen C4540036, MONDO:0054738, OMIM 617666.

Allele frequency attached by ClinVar (database versions not stated): gnomAD 0.00022 and 0.00027; TOPMed 0.00026; ExAC 0.00049; gnomAD exomes 0.00049; 1000 Genomes Project 0.00100; 1000 Genomes Project 30x 0.00109.
gnomAD v4.1: 283 of 1,611,700 alleles (0.018%); highest among the groups gnomAD compares: East Asian, 0.49%; no homozygotes.

Submissions (3):

Labcorp Genetics (formerly Invitae), Labcorp
Classification: Likely benign. Last evaluated: 2026-01-21. Review status: criteria provided, single submitter. Criteria: Invitae Variant Classification Sherloc (09022015). Collection method: clinical testing. Allele origin: germline.

Illumina Laboratory Services, Illumina
Classification: Likely benign for Fraser syndrome 2. Last evaluated: 2018-01-13. Review status: criteria provided, single submitter. Criteria: ICSL Variant Classification Criteria 13 December 2019. Collection method: clinical testing. Allele origin: germline.
Comment: This variant was observed in the ICSL laboratory as part of a predisposition screen in an ostensibly healthy population. It had not been previously curated by ICSL or reported in the Human Gene Mutation Database (HGMD: prior to June 1st, 2018), and was therefore a candidate for classification through an automated scoring system. Utilizing variant allele frequency, disease prevalence and penetrance estimates, and inheritance mode, an automated score was calculated to assess if this variant is too frequent to cause the disease. Based on the score and internal cut-off values, a variant classified as likely benign is not then subjected to further curation. The score for this variant resulted in a classification of likely benign for this disease.

PreventionGenetics, part of Exact Sciences
Classification: Likely benign for FREM2-related condition. Last evaluated: 2021-02-15. Review status: no assertion criteria provided. Collection method: clinical testing. Allele origin: germline. Not counted in ClinVar's aggregate classification.
Comment: This variant is classified as likely benign based on ACMG/AMP sequence variant interpretation guidelines (Richards et al. 2015 PMID: 25741868, with internal and published modifications).